The following is an entry in ClinVar:

NM_004612.4(TGFBR1):c.1386dup (p.Ala463fs)

Gene: TGFBR1 (transforming growth factor beta receptor 1; plus strand). Cytogenetic location: 9q22.33.
Variant type: Duplication.
Coding change: c.1386dup on transcript NM_004612.4 (MANE Select); coding-DNA position 1386, one base duplicated (A; older notation c.1386dupA).
Protein change: p.Ala463fs; shifts the reading frame from alanine 463.
Molecular consequence: frameshift variant.
Genome position (GRCh38, 1-based): chr9:99,147,784, A duplicated; the last of 2 consecutive A bases (chr9:99,147,783-99,147,784); duplicating either gives the same sequence. VCF-style (leftmost placement, unchanged base first): chr9-99147782-G-GA. GRCh37 (hg19) VCF-style: chr9-101910064-G-GA.
Other names: c.1155dup, p.Ala386fs (NM_001130916.3); c.1398dup, p.Ala467fs (NM_001306210.2); short protein forms A467fs, A463fs, A386fs.
Identifiers: ClinVar variation 1520694 (VCV001520694.8), dbSNP rs2118841181, ClinGen allele CA2573144947.

ClinVar aggregate classification (germline): Likely pathogenic (1 of 4 stars; one submission).

Conditions:
Familial thoracic aortic aneurysm and aortic dissection (TAAD). Also called: Thoracic aortic aneurysms and dissections. Identifiers: Orphanet 91387, MedGen C4707243, MONDO:0019625.

Submission:

Labcorp Genetics (formerly Invitae), Labcorp
Classification: Likely pathogenic for Familial thoracic aortic aneurysm and aortic dissection. Last evaluated: 2021-06-02. Review status: criteria provided, single submitter. Criteria: Invitae Variant Classification Sherloc (09022015). Collection method: clinical testing. Allele origin: germline.
Comment: This sequence change creates a premature translational stop signal (p.Ala463Serfs*7) in the TGFBR1 gene. While this is not anticipated to result in nonsense mediated decay, it is expected to disrupt the last 41 amino acid(s) of the TGFBR1 protein. This variant is not present in population databases (ExAC no frequency). This variant has not been reported in the literature in individuals with TGFBR1-related conditions. Algorithms developed to predict the effect of sequence changes on RNA splicing suggest that this variant may create or strengthen a splice site, but this prediction has not been confirmed by published transcriptional studies. This variant disrupts the p.Arg487 amino acid residue in TGFBR1. Other variant(s) that disrupt this residue have been determined to be pathogenic (PMID: 19542084, 25110237, 23884466). This suggests that this residue is clinically significant, and that variants that disrupt this residue are likely to be disease-causing. In summary, the currently available evidence indicates that the variant is pathogenic, but additional data are needed to prove that conclusively. Therefore, this variant has been classified as Likely Pathogenic.

Literature cited by the submitters: PubMed 19542084; PubMed 25110237; PubMed 23884466.